The following is an entry in ClinVar:

NM_001267550.2(TTN):c.43748-4G>A

Gene: TTN (titin; minus strand). Cytogenetic location: 2q31.2.
Variant type: single nucleotide variant.
Coding change: c.43748-4G>A on transcript NM_001267550.2 (MANE Select); 4 bases into the intron before coding-DNA position 43748, G replaced by A.
Molecular consequence: intron variant.
Genome position (GRCh38, 1-based): chr2:178,631,304, C>T on the plus strand (G>A on the coding strand, the complement: TTN is on the minus strand). VCF-style: chr2-178631304-C-T. GRCh37 (hg19) VCF-style: chr2-179496031-C-T.
Other names: c.16553-4G>A (NM_003319.4); c.17129-4G>A (NM_133437.4); c.16928-4G>A (NM_133432.3); c.36044-4G>A (NM_133378.4); c.38825-4G>A (NM_001256850.1).
Identifiers: ClinVar variation 467157 (VCV000467157.11), dbSNP rs1301078575, ClinGen allele CA430276445.
Genomic context (GRCh38, chr2:178,631,304, plus strand): 5'-CATCTTTCTCTACACCAGTATAATCTTGAAGTTTTCCTGTAAAATATGGGTCTCCCTCTG[C>T]AAGTAAAGTATAAGTGAAAAGCTTTTATTAATCACCTTAGGGAAATGACAATCTCTTGGA-3'

ClinVar aggregate classification (germline): Conflicting classifications of pathogenicity. Review status: criteria provided, conflicting classifications (1 of 4 stars). 2 submissions from 2 submitters: Uncertain significance (1); Likely benign (1). Last evaluated 2023-08-07.

Conditions:
Autosomal recessive limb-girdle muscular dystrophy type 2J (LGMDR10). Also called: Limb-girdle muscular dystrophy, type 2J; MUSCULAR DYSTROPHY, LIMB-GIRDLE, AUTOSOMAL RECESSIVE 10. Identifiers: Orphanet 140922, MedGen C1837342, MONDO:0012127, OMIM 608807.
Dilated cardiomyopathy 1G (CMD1G). Identifiers: Orphanet 154, MedGen C1858763, MONDO:0011400, OMIM 604145.

Allele frequency attached by ClinVar (database versions not stated): gnomAD exomes below 0.00001.
gnomAD v4.1: 3 of 1,601,664 alleles (0.00019%); highest among the groups gnomAD compares: Non-Finnish European, 0.00026%; no homozygotes.

Submissions (2):

Labcorp Genetics (formerly Invitae), Labcorp
Classification: Likely benign for Dilated cardiomyopathy 1G; Autosomal recessive limb-girdle muscular dystrophy type 2J. Last evaluated: 2023-08-07. Review status: criteria provided, single submitter. Criteria: Invitae Variant Classification Sherloc (09022015). Collection method: clinical testing. Allele origin: germline.

GeneDx
Classification: Uncertain significance. Last evaluated: 2023-03-28. Review status: criteria provided, single submitter. Criteria: GeneDx Variant Classification Process June 2021. Collection method: clinical testing. Allele origin: germline. Affected: yes.
Comment: Has not been previously published as pathogenic or benign to our knowledge; Not observed at significant frequency in large population cohorts (gnomAD); In silico analysis suggests this variant may impact gene splicing. In the absence of RNA/functional studies, the actual effect of this sequence change is unknown.